The following is an entry in ClinVar:

ClinVar aggregate classification (germline): Benign/Likely benign. Review status: criteria provided, multiple submitters, no conflicts (2 of 4 stars). 3 submissions from 3 submitters: Benign (1); Likely benign (2). Last evaluated 2019-12-31.

Conditions:
Renal hypodysplasia/aplasia 1 (RHDA1). Also called: RENAL APLASIA; HEREDITARY RENAL APLASIA. Identifiers: Orphanet 411709, MedGen C1619700, MONDO:0024519, OMIM 191830.

Allele frequency attached by ClinVar (database versions not stated): gnomAD exomes 0.00068 and 0.00155; ExAC 0.00173; 1000 Genomes Project 0.00379; 1000 Genomes Project 30x 0.00422; ESP Exome Variant Server 0.00461; gnomAD 0.00536 and 0.00587; TOPMed 0.00600.
gnomAD v4.1: 1,844 of 1,614,222 alleles (0.11%); highest among the groups gnomAD compares: African/African-American, 1.8%; 12 homozygotes.

Submissions (3):

Labcorp Genetics (formerly Invitae), Labcorp
Classification: Benign. Last evaluated: 2019-12-31. Review status: criteria provided, single submitter. Criteria: Invitae Variant Classification Sherloc (09022015). Collection method: clinical testing. Allele origin: germline.

Illumina Laboratory Services, Illumina
Classification: Likely benign for Renal hypodysplasia/aplasia 1. Last evaluated: 2017-04-27. Review status: criteria provided, single submitter. Criteria: ICSL Variant Classification Criteria 13 December 2019. Collection method: clinical testing. Allele origin: germline.
Comment: This variant was observed as part of a predisposition screen in an ostensibly healthy population. A literature search was performed for the gene, cDNA change, and amino acid change (where applicable). No publications were found based on this search. Allele frequency data from public databases allowed determination this variant is unlikely to cause disease. Therefore, this variant is classified as likely benign.

Breakthrough Genomics
Classification: Likely benign. Review status: criteria provided, single submitter. Criteria: ACMG Guidelines, 2015. Collection method: not provided. Allele origin: germline. Inheritance: Unknown mechanism. Affected: yes.

NM_006953.4(UPK3A):c.260C>A (p.Ser87Ter)

Gene: UPK3A (uroplakin 3A; plus strand). Cytogenetic location: 22q13.31.
Variant type: single nucleotide variant.
Coding change: c.260C>A on transcript NM_006953.4 (MANE Select); coding-DNA position 260, C replaced by A.
Protein change: p.Ser87Ter; replaces serine 87 with a stop codon.
Molecular consequence: nonsense. On other transcripts: intron variant (1).
Genome position (GRCh38, 1-based): chr22:45,287,223, C>A. VCF-style: chr22-45287223-C-A. GRCh37 (hg19) VCF-style: chr22-45683104-C-A.
Other names: c.208+1127C>A (NM_001167574.2); short protein forms S87*.
Identifiers: ClinVar variation 341972 (VCV000341972.11), dbSNP rs138918236, ClinGen allele CA10284335.